The following is an entry in ClinVar:

ClinVar aggregate classification (germline): Benign. Review status: criteria provided, multiple submitters, no conflicts (2 of 4 stars). 6 submissions from 6 submitters: Benign (6). Last evaluated 2026-02-04.

Conditions:
Osteogenesis imperfecta type 13. Also called: OI, TYPE XIII; Osteogenesis imperfecta, type xiii. Identifiers: Orphanet 666, MedGen C3553887, MONDO:0013924, OMIM 614856.

Allele frequency attached by ClinVar (database versions not stated): 1000 Genomes Project 0.03514; 1000 Genomes Project 30x 0.03654; gnomAD 0.07318 and 0.07587; TOPMed 0.07491; ESP Exome Variant Server 0.08465.
gnomAD v4.1: 163,578 of 1,614,182 alleles (10%); highest among the groups gnomAD compares: Non-Finnish European, 12%; 9,450 homozygotes.

Submissions (6):

Labcorp Genetics (formerly Invitae), Labcorp
Classification: Benign. Last evaluated: 2026-02-04. Review status: criteria provided, single submitter. Criteria: Invitae Variant Classification Sherloc (09022015). Collection method: clinical testing. Allele origin: germline.

Blueprint Genetics
Classification: Benign. Last evaluated: 2024-11-27. Review status: criteria provided, single submitter. Criteria: ACMG Guidelines, 2015. Collection method: clinical testing. Allele origin: germline.

Mayo Clinic Laboratories, Mayo Clinic
Classification: Benign. Last evaluated: 2022-04-26. Review status: criteria provided, single submitter. Criteria: ACMG Guidelines, 2015. Collection method: clinical testing. Allele origin: germline. Observed: 27 variant alleles.

Illumina Laboratory Services, Illumina
Classification: Benign for Osteogenesis imperfecta type 13. Last evaluated: 2018-01-13. Review status: criteria provided, single submitter. Criteria: ICSL Variant Classification Criteria 13 December 2019. Collection method: clinical testing. Allele origin: germline.
Comment: This variant was observed in the ICSL laboratory as part of a predisposition screen in an ostensibly healthy population. It had not been previously curated by ICSL or reported in the Human Gene Mutation Database (HGMD: prior to June 1st, 2018), and was therefore a candidate for classification through an automated scoring system. Utilizing variant allele frequency, disease prevalence and penetrance estimates, and inheritance mode, an automated score was calculated to assess if this variant is too frequent to cause the disease. Based on the score and internal cut-off values, a variant classified as benign is not then subjected to further curation. The score for this variant resulted in a classification of benign for this disease.

GeneDx
Classification: Benign. Last evaluated: 2017-08-14. Review status: criteria provided, single submitter. Criteria: GeneDx Variant Classification (06012015). Collection method: clinical testing. Allele origin: germline. Affected: yes.
Comment: This variant is considered likely benign or benign based on one or more of the following criteria: it is a conservative change, it occurs at a poorly conserved position in the protein, it is predicted to be benign by multiple in silico algorithms, and/or has population frequency not consistent with disease.

Breakthrough Genomics
Classification: Benign. Review status: criteria provided, single submitter. Criteria: ACMG Guidelines, 2015. Collection method: not provided. Allele origin: germline. Inheritance: Autosomal recessive inheritance. Affected: yes.

NM_006129.5(BMP1):c.2640C>A (p.Gly880=)

Gene: BMP1 (bone morphogenetic protein 1; plus strand). Cytogenetic location: 8p21.3.
Variant type: single nucleotide variant.
Coding change: c.2640C>A on transcript NM_006129.5 (MANE Select); coding-DNA position 2640, C replaced by A.
Protein change: p.Gly880=; no amino-acid change (glycine 880 retained).
Molecular consequence: synonymous variant. On other transcripts: non-coding transcript variant (1).
Genome position (GRCh38, 1-based): chr8:22,209,509, C>A. VCF-style: chr8-22209509-C-A. GRCh37 (hg19) VCF-style: chr8-22067022-C-A.
Other names: p.Gly880=.
Identifiers: ClinVar variation 362602 (VCV000362602.15), dbSNP rs77242743, ClinGen allele CA4665330.